The following is an entry in ClinVar:

NM_001008537.3(NEXMIF):c.3718G>A (p.Gly1240Ser)

Gene: NEXMIF (neurite extension and migration factor; minus strand). Cytogenetic location: Xq13.3.
Variant type: single nucleotide variant.
Coding change: c.3718G>A on transcript NM_001008537.3 (MANE Select); coding-DNA position 3718, G replaced by A.
Protein change: p.Gly1240Ser; replaces glycine 1240 with serine.
Molecular consequence: missense variant.
Genome position (GRCh38, 1-based): chrX:74,740,839, C>T on the plus strand (G>A on the coding strand, the complement: NEXMIF is on the minus strand). VCF-style: chrX-74740839-C-T. GRCh37 (hg19) VCF-style: chrX-73960674-C-T.
Other names: short protein forms G1240S.
Identifiers: ClinVar variation 2812665 (VCV002812665.3), dbSNP rs1446465234, ClinGen allele CA413664899.

ClinVar aggregate classification (germline): Uncertain significance (1 of 4 stars; one submission).

Allele frequency attached by ClinVar (database versions not stated): gnomAD exomes 0.00002.
gnomAD v4.1: 21 of 1,212,147 alleles (0.0017%); highest among the groups gnomAD compares: Non-Finnish European, 0.0022%; no homozygotes.

Submission:

Labcorp Genetics (formerly Invitae), Labcorp
Classification: Uncertain significance. Last evaluated: 2023-04-01. Review status: criteria provided, single submitter. Criteria: Invitae Variant Classification Sherloc (09022015). Collection method: clinical testing. Allele origin: germline.
Comment: In summary, the available evidence is currently insufficient to determine the role of this variant in disease. Therefore, it has been classified as a Variant of Uncertain Significance. An algorithm developed to predict the effect of missense changes on protein structure and function (PolyPhen-2) suggests that this variant is likely to be disruptive. This variant has not been reported in the literature in individuals affected with NEXMIF-related conditions. This variant is present in population databases (no rsID available, gnomAD 0.003%), including at least one homozygous and/or hemizygous individual. This sequence change replaces glycine, which is neutral and non-polar, with serine, which is neutral and polar, at codon 1240 of the NEXMIF protein (p.Gly1240Ser).